The following is an entry in ClinVar:

ClinVar aggregate classification (germline): Likely benign (1 of 4 stars; one submission).

Allele frequency attached by ClinVar (database versions not stated): gnomAD exomes 0.00001; ExAC 0.00003; TOPMed 0.00005; gnomAD 0.00007; ESP Exome Variant Server 0.00009.

Submission:

CeGaT Center for Human Genetics Tuebingen
Classification: Likely benign. Last evaluated: 2023-01-01. Review status: criteria provided, single submitter. Criteria: CeGaT Center For Human Genetics Tuebingen Variant Classification Criteria Version 2. Collection method: clinical testing. Allele origin: germline. Affected: yes. Observed: 1 variant allele.
Comment: DCAF12L1: BP4, BP7

NM_178470.5(DCAF12L1):c.561G>A (p.Leu187=)

Gene: DCAF12L1 (DDB1 and CUL4 associated factor 12 like 1; minus strand). Cytogenetic location: Xq25.
Variant type: single nucleotide variant.
Coding change: c.561G>A on transcript NM_178470.5 (MANE Select); coding-DNA position 561, G replaced by A.
Protein change: p.Leu187=; no amino-acid change (leucine 187 retained).
Molecular consequence: synonymous variant.
Genome position (GRCh38, 1-based): chrX:126,552,048, C>T on the plus strand (G>A on the coding strand, the complement: DCAF12L1 is on the minus strand). VCF-style: chrX-126552048-C-T. GRCh37 (hg19) VCF-style: chrX-125686031-C-T.
Identifiers: ClinVar variation 2661384 (VCV002661384.24), dbSNP rs373543121, ClinGen allele CA10511009.